The following is an entry in ClinVar:

ClinVar aggregate classification (germline): Pathogenic. Review status: criteria provided, multiple submitters, no conflicts (2 of 4 stars). 3 submissions from 3 submitters: Pathogenic (3). Last evaluated 2024-05-21.

Conditions:
Methylmalonic aciduria due to methylmalonyl-CoA mutase deficiency (MAMM). Also called: Methylmalonic aciduria, mut type. Identifiers: Orphanet 27, MedGen C1855114, MONDO:0009612, OMIM 251000.
Methylmalonic aciduria due to complete methylmalonyl-CoA mutase deficiency.

Submissions (3):

Natera, Inc.
Classification: Pathogenic for Methylmalonic aciduria due to complete methylmalonyl-CoA mutase deficiency. Last evaluated: 2024-05-21. Review status: criteria provided, single submitter. Criteria: Natera Variant Classification Schema (03/2026). Collection method: clinical testing. Allele origin: germline.
Comment: The c.626dupC variant in MMUT is a frameshift variant predicted to shift the reading frame and introduce a stop codon. This variant is expected to result in nonsense mediated decay, truncation, or a dysfunctional protein product. This variant is rare in the general population with a frequency below the threshold expected for the associated phenotype(s). This variant has been observed in one or more individuals affected with the associated recessive disease, as either homozygous or compound heterozygous with a second variant (PMID: 35361390). Given the available evidence, this variant is classified as Pathogenic.

Labcorp Genetics (formerly Invitae), Labcorp
Classification: Pathogenic. Last evaluated: 2021-11-11. Review status: criteria provided, single submitter. Criteria: Invitae Variant Classification Sherloc (09022015). Collection method: clinical testing. Allele origin: germline.
Comment: For these reasons, this variant has been classified as Pathogenic. This premature translational stop signal has been observed in individual(s) with clinical features of methylmalonic acidemia (PMID: 26454439, 31501239). This variant is not present in population databases (gnomAD no frequency). This sequence change creates a premature translational stop signal (p.Lys210*) in the MUT gene. It is expected to result in an absent or disrupted protein product. Loss-of-function variants in MUT are known to be pathogenic (PMID: 15781192).

Juno Genomics, Hangzhou Juno Genomics, Inc
Classification: Pathogenic for Methylmalonic aciduria due to methylmalonyl-CoA mutase deficiency. Review status: criteria provided, single submitter. Criteria: ACMG Guidelines, 2015. Collection method: clinical testing. Allele origin: germline.
Comment: Absent from controls (or at extremely low frequency if recessive) in Genome Aggregation Database.;Null variant in a gene where loss of function (LOF) is a known mechanism of disease.;For recessive disorders, detected in trans with a pathogenic variant.

Literature cited by the submitters: PubMed 35361390 (cited by Natera, Inc.); PubMed 26454439 (cited by Labcorp Genetics (formerly Invitae), Labcorp); PubMed 31501239 (cited by Labcorp Genetics (formerly Invitae), Labcorp); PubMed 15781192 (cited by Labcorp Genetics (formerly Invitae), Labcorp).

NM_000255.4(MMUT):c.626dup (p.Pro209_Lys210insTer)

Gene: MMUT (methylmalonyl-CoA mutase; minus strand). Cytogenetic location: 6p12.3.
Variant type: Duplication.
Coding change: c.626dup on transcript NM_000255.4 (MANE Select); coding-DNA position 626, one base duplicated (C; older notation c.626dupC).
Protein change: p.Pro209_Lys210insTer.
Molecular consequence: frameshift variant.
Genome position (GRCh38, 1-based): chr6:49,457,818, G duplicated on the plus strand (C on the coding strand, the reverse complement: MMUT is on the minus strand); the first of 2 consecutive G bases (chr6:49,457,818-49,457,819); duplicating either gives the same sequence. VCF-style (leftmost placement, unchanged base first): chr6-49457817-A-AG. GRCh37 (hg19) VCF-style: chr6-49425530-A-AG.
Other names: c.626dupC (NM_000255.3).
Identifiers: ClinVar variation 1452874 (VCV001452874.9), dbSNP rs1434645720, ClinGen allele CA825482501.
Genomic context (GRCh38, chr6:49,457,817, plus strand): 5'-ATTTCGAACCATAAATTCCTTTAGTATATCATTTTGGATGGTACCAGTAAGCTTCTCTTT[A>AG]GGTACACCTTGTTCTTCTCCAGTTACTATAAAATTTGCAAGAACTGGAATAACTGCTCCA-3'